The following is an entry in ClinVar:

NM_001009944.3(PKD1):c.10051-10C>A

Gene: PKD1 (polycystin 1, transient receptor potential channel interacting; minus strand). Cytogenetic location: 16p13.3.
Variant type: single nucleotide variant.
Coding change: c.10051-10C>A on transcript NM_001009944.3 (MANE Select); 10 bases into the intron before coding-DNA position 10051, C replaced by A.
Molecular consequence: intron variant.
Genome position (GRCh38, 1-based): chr16:2,097,994, G>T on the plus strand (C>A on the coding strand, the complement: PKD1 is on the minus strand). VCF-style: chr16-2097994-G-T. GRCh37 (hg19) VCF-style: chr16-2147995-G-T.
Other names: c.10051-10C>A (NM_000296.4).
Identifiers: ClinVar variation 997264 (VCV000997264.2), dbSNP rs3874642, ClinGen allele CA2202036491.

ClinVar aggregate classification (germline): Uncertain significance. Review status: criteria provided, single submitter (1 of 4 stars). 2 submissions from 2 submitters: Uncertain significance (1). 1 of the submissions does not count toward it. Last evaluated 2024-02-23.

Conditions:
Polycystic kidney disease, adult type (PKD1). Also called: POLYCYSTIC KIDNEY DISEASE, ADULT, TYPE I; Polycystic Kidney Disease 1, Autosomal Dominant; Polycystic kidney disease 1; Polycystic kidney disease 1, severe; Polycystic Kidney, Autosomal Dominant; POLYCYSTIC KIDNEY DISEASE 1 WITH OR WITHOUT POLYCYSTIC LIVER DISEASE. Identifiers: MedGen C3149841, MONDO:0008263, OMIM 173900.
Polycystic kidney disease. Also called: Polycystic kidney dysplasia; Kidney, Polycystic. Identifiers: MedGen C0022680, MeSH D007690, MONDO:0020642, HP:0000113.

Submissions (2):

Fulgent Genetics
Classification: Uncertain significance for Polycystic kidney disease, adult type. Last evaluated: 2024-02-23. Review status: criteria provided, single submitter. Criteria: ACMG Guidelines, 2015. Collection method: clinical testing. Allele origin: germline.

Department of Pathology and Laboratory Medicine, Sinai Health System
Classification: Uncertain significance for Polycystic Kidney disease. Review status: no assertion criteria provided. Collection method: clinical testing. Allele origin: unknown. Affected: yes. Study: The Canadian Open Genetics Repository (COGR). Not counted in ClinVar's aggregate classification.
Comment: The PKD1 c.10051-10C>A variant was not identified in the literature nor was it identified in the dbSNP, ClinVar, LOVD 3.0, ADPKD Mutation Database, PKD1-LOVD, the Exome Aggregation Consortium (August 8th 2016) or the Genome Aggregation Database (Feb 27, 2017). The variant occurs outside of the splicing consensus sequence and 4 of 4 in silico or computational prediction software programs (SpliceSiteFinder, MaxEntScan, NNSPLICE, GeneSplicer) predict a greater than 10% difference in splicing; this is not predictive enough to assume pathogenicity. In summary, based on the above information, the clinical significance of this variant cannot be determined with certainty at this time. This variant is classified as a variant of uncertain significance.